The following is an entry in ClinVar:

NM_001290043.2(TAP2):c.997C>T (p.Arg333Trp)

Gene: TAP2 (transporter 2, ATP binding cassette subfamily B member; minus strand). Cytogenetic location: 6p21.32.
Variant type: single nucleotide variant.
Coding change: c.997C>T on transcript NM_001290043.2 (MANE Select); coding-DNA position 997, C replaced by T.
Protein change: p.Arg333Trp; replaces arginine 333 with tryptophan.
Molecular consequence: missense variant.
Genome position (GRCh38, 1-based): chr6:32,832,773, G>A on the plus strand (C>T on the coding strand, the complement: TAP2 is on the minus strand). VCF-style: chr6-32832773-G-A. GRCh37 (hg19) VCF-style: chr6-32800550-G-A.
Other names: c.997C>T, p.Arg333Trp (NM_000544.3, NM_018833.3); short protein forms R333W.
Identifiers: ClinVar variation 1420875 (VCV001420875.8), dbSNP rs1322324230, ClinGen allele CA363583387.

ClinVar aggregate classification (germline): Uncertain significance (1 of 4 stars; one submission).

Conditions:
MHC class I deficiency. Identifiers: Orphanet 34592, MedGen C6024714, MONDO:0011476.

Allele frequency attached by ClinVar (database versions not stated): gnomAD 0.00001; TOPMed 0.00002.
gnomAD v4.1: 13 of 1,612,758 alleles (0.00081%); highest among the groups gnomAD compares: African/African-American, 0.0013%; no homozygotes.

Submission:

Labcorp Genetics (formerly Invitae), Labcorp
Classification: Uncertain significance for MHC class I deficiency 1. Last evaluated: 2021-02-17. Review status: criteria provided, single submitter. Criteria: Invitae Variant Classification Sherloc (09022015). Collection method: clinical testing. Allele origin: germline.
Comment: This sequence change replaces arginine with tryptophan at codon 333 of the TAP2 protein (p.Arg333Trp). The arginine residue is moderately conserved and there is a moderate physicochemical difference between arginine and tryptophan. This variant is not present in population databases (ExAC no frequency). This variant has not been reported in the literature in individuals with TAP2-related conditions. Algorithms developed to predict the effect of missense changes on protein structure and function are either unavailable or do not agree on the potential impact of this missense change (SIFT: "Deleterious"; PolyPhen-2: "Not Available"; Align-GVGD: "Class C0"). In summary, the available evidence is currently insufficient to determine the role of this variant in disease. Therefore, it has been classified as a Variant of Uncertain Significance.